The following is an entry in ClinVar:

ClinVar aggregate classification (germline): Conflicting classifications of pathogenicity. Review status: criteria provided, conflicting classifications (1 of 4 stars). 3 submissions from 3 submitters: Uncertain significance (1); Likely benign (2). Last evaluated 2025-11-23.

Conditions:
Cardiovascular phenotype. Identifiers: MedGen CN230736.

Allele frequency attached by ClinVar (database versions not stated): gnomAD exomes 0.00001 and 0.00003; ExAC 0.00002; TOPMed 0.00002.
gnomAD v4.1: 8 of 1,609,846 alleles (0.0005%); highest among the groups gnomAD compares: Admixed American, 0.013%; no homozygotes.

Submissions (3):

Labcorp Genetics (formerly Invitae), Labcorp
Classification: Likely benign. Last evaluated: 2025-11-23. Review status: criteria provided, single submitter. Criteria: Invitae Variant Classification Sherloc (09022015). Collection method: clinical testing. Allele origin: germline.

Ambry Genetics
Classification: Likely benign for Cardiovascular phenotype. Last evaluated: 2025-11-19. Review status: criteria provided, single submitter. Criteria: Ambry Variant Classification Scheme 2023. Collection method: clinical testing. Allele origin: germline.

Women's Health and Genetics/Laboratory Corporation of America, LabCorp
Classification: Uncertain significance. Last evaluated: 2021-03-15. Review status: criteria provided, single submitter. Criteria: LabCorp Variant Classification Summary - May 2015. Collection method: clinical testing. Allele origin: germline.
Comment: Variant summary: ABCA1 c.725C>G (p.Thr242Arg) results in a non-conservative amino acid change in the encoded protein sequence. Four of five in-silico tools predict a benign effect of the variant on protein function. The variant allele was found at a frequency of 3.2e-05 in 251006 control chromosomes. The available data on variant occurrences in the general population are insufficient to allow any conclusion about variant significance. To our knowledge, no occurrence of c.725C>G in individuals affected with Early Onset Coronary Artery Disease and no experimental evidence demonstrating its impact on protein function have been reported. No clinical diagnostic laboratories have submitted clinical-significance assessments for this variant to ClinVar after 2014. Based on the evidence outlined above, the variant was classified as uncertain significance.

NM_005502.4(ABCA1):c.725C>G (p.Thr242Arg)

Gene: ABCA1 (ATP binding cassette subfamily A member 1; minus strand). Cytogenetic location: 9q31.1.
Variant type: single nucleotide variant.
Coding change: c.725C>G on transcript NM_005502.4 (MANE Select); coding-DNA position 725, C replaced by G.
Protein change: p.Thr242Arg; replaces threonine 242 with arginine.
Molecular consequence: missense variant.
Genome position (GRCh38, 1-based): chr9:104,845,565, G>C on the plus strand (C>G on the coding strand, the complement: ABCA1 is on the minus strand). VCF-style: chr9-104845565-G-C. GRCh37 (hg19) VCF-style: chr9-107607846-G-C.
Other names: short protein forms T242R.
Identifiers: ClinVar variation 1027583 (VCV001027583.6), dbSNP rs775987152, ClinGen allele CA5169229.